The following is an entry in ClinVar:

ClinVar aggregate classification (germline): Uncertain significance (1 of 4 stars; one submission).

Submission:

Labcorp Genetics (formerly Invitae), Labcorp
Classification: Uncertain significance. Last evaluated: 2024-09-06. Review status: criteria provided, single submitter. Criteria: Invitae Variant Classification Sherloc (09022015). Collection method: clinical testing. Allele origin: germline.
Comment: This sequence change replaces valine, which is neutral and non-polar, with leucine, which is neutral and non-polar, at codon 77 of the CDC42 protein (p.Val77Leu). This variant is not present in population databases (gnomAD no frequency). This variant has not been reported in the literature in individuals affected with CDC42-related conditions. An algorithm developed to predict the effect of missense changes on protein structure and function (PolyPhen-2) suggests that this variant is likely to be tolerated. In summary, the available evidence is currently insufficient to determine the role of this variant in disease. Therefore, it has been classified as a Variant of Uncertain Significance.

NM_001791.4(CDC42):c.229G>C (p.Val77Leu)

Gene: CDC42 (cell division cycle 42; plus strand). Cytogenetic location: 1p36.12.
Variant type: single nucleotide variant.
Coding change: c.229G>C on transcript NM_001791.4 (MANE Select); coding-DNA position 229, G replaced by C.
Protein change: p.Val77Leu; replaces valine 77 with leucine.
Molecular consequence: missense variant.
Genome position (GRCh38, 1-based): chr1:22,086,489, G>C. VCF-style: chr1-22086489-G-C. GRCh37 (hg19) VCF-style: chr1-22412982-G-C.
Other names: c.229G>C, p.Val77Leu (NM_001039802.2, NM_044472.3); short protein forms V77L.
Identifiers: ClinVar variation 3665324 (VCV003665324.2).
Genomic context (GRCh38, chr1:22,086,489, plus strand): 5'-TTTTTTCTAGGGCAAGAGGATTATGACAGATTACGACCGCTGAGTTATCCACAAACAGAT[G>C]TATTTCTAGTCTGTTTTTCAGTGGTCTCTCCATCTTCATTTGAAAACGTGAAAGAAAAGG-3'
Protein context (NP_001782.1, residues 67-87): LRPLSYPQTD[Val77Leu]FLVCFSVVSP